The following is an entry in ClinVar:

NM_002085.5(GPX4):c.484A>G (p.Lys162Glu)

Gene: GPX4 (glutathione peroxidase 4; plus strand). Cytogenetic location: 19p13.3.
Variant type: single nucleotide variant.
Coding change: c.484A>G on transcript NM_002085.5 (MANE Select); coding-DNA position 484, A replaced by G.
Protein change: p.Lys162Glu; replaces lysine 162 with glutamic acid.
Molecular consequence: missense variant.
Genome position (GRCh38, 1-based): chr19:1,106,249, A>G. VCF-style: chr19-1106249-A-G. GRCh37 (hg19) VCF-style: chr19-1106248-A-G.
Other names: c.484A>G, p.Lys162Glu (NM_001039847.3); c.595A>G, p.Lys199Glu (NM_001039848.4); c.403A>G, p.Lys135Glu (NM_001367832.1); short protein forms K162E, K135E, K199E.
Identifiers: ClinVar variation 2098375 (VCV002098375.4), dbSNP rs780851132, ClinGen allele CA9037416.
Genomic context (GRCh38, chr19:1,106,249, plus strand): 5'-GGGGACTGTGGGGGGCTGCTGGGGACGCTCACGTCCATGTGCTTCTTTTCCAGTGCCATC[A>G]AGTGGAACTTCACCAAGGTAAGGGGGCTGTGGGGGGTAGGGGACCAGCTTCCCCTGGCCA-3'
Protein context (NP_002076.2, residues 152-172): KGKGILGNAI[Lys162Glu]WNFTKFLIDK

ClinVar aggregate classification (germline): Uncertain significance (1 of 4 stars; one submission).

Allele frequency attached by ClinVar (database versions not stated): gnomAD 0.00001; gnomAD exomes 0.00001; ExAC 0.00002.
gnomAD v4.1: 14 of 1,605,070 alleles (0.00087%); highest among the groups gnomAD compares: South Asian, 0.012%; no homozygotes.

Submission:

Labcorp Genetics (formerly Invitae), Labcorp
Classification: Uncertain significance. Last evaluated: 2022-02-18. Review status: criteria provided, single submitter. Criteria: Invitae Variant Classification Sherloc (09022015). Collection method: clinical testing. Allele origin: germline.
Comment: Algorithms developed to predict the effect of missense changes on protein structure and function are either unavailable or do not agree on the potential impact of this missense change (SIFT: "Tolerated"; PolyPhen-2: "Not Available"; Align-GVGD: "Class C0"). In summary, the available evidence is currently insufficient to determine the role of this variant in disease. Therefore, it has been classified as a Variant of Uncertain Significance. This variant has not been reported in the literature in individuals affected with GPX4-related conditions. This variant is present in population databases (rs780851132, gnomAD 0.01%). This sequence change replaces lysine, which is basic and polar, with glutamic acid, which is acidic and polar, at codon 199 of the GPX4 protein (p.Lys199Glu).